The following is an entry in ClinVar:

NM_002340.6(LSS):c.-10T>A

Genes: LSS (lanosterol synthase; minus strand), LOC130066869 (ATAC-STARR-seq lymphoblastoid silent region 13414; plus strand). Cytogenetic location: 21q22.3.
Variant type: single nucleotide variant.
Coding change: c.-10T>A on transcript NM_002340.6 (MANE Select); 10 bases upstream of the start codon, T replaced by A.
Molecular consequence: 5 prime UTR variant.
Genome position (GRCh38, 1-based): chr21:46,228,755, A>T on the plus strand (T>A on the coding strand, the complement: LSS is on the minus strand). VCF-style: chr21-46228755-A-T. GRCh37 (hg19) VCF-style: chr21-47648669-A-T.
Other names: c.-10T>A (NM_001001438.3, NM_001145436.2); c.-382T>A (NM_001145437.2).
Identifiers: ClinVar variation 3054304 (VCV003054304.2), dbSNP rs375787906, ClinGen allele CA10075663.

ClinVar aggregate classification (germline): Likely benign (0 of 4 stars; one submission).

Conditions:
LSS-related disorder. Also called: LSS-related condition.

Allele frequency attached by ClinVar (database versions not stated): TOPMed 0.00021; gnomAD 0.00027; 1000 Genomes Project 30x 0.00078; ESP Exome Variant Server 0.00015; 1000 Genomes Project 0.00100; ExAC 0.00122.
gnomAD v4.1: 587 of 1,588,256 alleles (0.037%); highest among the groups gnomAD compares: South Asian, 0.4%; 4 homozygotes.

Submission:

PreventionGenetics, part of Exact Sciences
Classification: Likely benign for LSS-related condition. Last evaluated: 2022-06-09. Review status: no assertion criteria provided. Collection method: clinical testing. Allele origin: germline.
Comment: This variant is classified as likely benign based on ACMG/AMP sequence variant interpretation guidelines (Richards et al. 2015 PMID: 25741868, with internal and published modifications).